The following is an entry in ClinVar:

NM_002528.7(NTHL1):c.467T>C (p.Ile156Thr)

Gene: NTHL1 (nth like DNA glycosylase 1; minus strand). Cytogenetic location: 16p13.3.
Variant type: single nucleotide variant.
Coding change: c.467T>C on transcript NM_002528.7 (MANE Select); coding-DNA position 467, T replaced by C.
Protein change: p.Ile156Thr; replaces isoleucine 156 with threonine.
Molecular consequence: missense variant. On other transcripts: intron variant (1).
Genome position (GRCh38, 1-based): chr16:2,044,688, A>G on the plus strand (T>C on the coding strand, the complement: NTHL1 is on the minus strand). VCF-style: chr16-2044688-A-G. GRCh37 (hg19) VCF-style: chr16-2094689-A-G.
Other names: c.137T>C, p.Ile46Thr (NM_001318194.2); c.355-962T>C (NM_001318193.2); short protein forms I156T, I46T.
Identifiers: ClinVar variation 3408223 (VCV003408223.3).

ClinVar aggregate classification (germline): Uncertain significance. Review status: criteria provided, multiple submitters, no conflicts (2 of 4 stars). 2 submissions from 2 submitters: Uncertain significance (2). Last evaluated 2024-10-28.

Conditions:
Hereditary cancer-predisposing syndrome. Also called: Neoplastic Syndromes, Hereditary; Tumor predisposition; Hereditary Cancer Syndrome; Hereditary neoplastic syndrome. Identifiers: Orphanet 140162, MedGen C0027672, MeSH D009386, MONDO:0015356.

Submissions (2):

Ambry Genetics
Classification: Uncertain significance for Hereditary cancer-predisposing syndrome. Last evaluated: 2024-10-28. Review status: criteria provided, single submitter. Criteria: Ambry Variant Classification Scheme 2023. Collection method: clinical testing. Allele origin: germline.
Comment: The p.I164T variant (also known as c.491T>C), located in coding exon 3 of the NTHL1 gene, results from a T to C substitution at nucleotide position 491. The isoleucine at codon 164 is replaced by threonine, an amino acid with similar properties. This amino acid position is conserved. In addition, this alteration is predicted to be deleterious by in silico analysis. Based on the available evidence, the clinical significance of this variant remains unclear.

Labcorp Genetics (formerly Invitae), Labcorp
Classification: Uncertain significance. Last evaluated: 2024-08-05. Review status: criteria provided, single submitter. Criteria: Invitae Variant Classification Sherloc (09022015). Collection method: clinical testing. Allele origin: germline.
Comment: This sequence change replaces isoleucine, which is neutral and non-polar, with threonine, which is neutral and polar, at codon 164 of the NTHL1 protein (p.Ile164Thr). This variant is not present in population databases (gnomAD no frequency). This variant has not been reported in the literature in individuals affected with NTHL1-related conditions. An algorithm developed to predict the effect of missense changes on protein structure and function (PolyPhen-2) suggests that this variant is likely to be disruptive. In summary, the available evidence is currently insufficient to determine the role of this variant in disease. Therefore, it has been classified as a Variant of Uncertain Significance.